The following is an entry in ClinVar:

NM_198253.3(TERT):c.633G>T (p.Gly211=)

Gene: TERT (telomerase reverse transcriptase; minus strand). Cytogenetic location: 5p15.33.
Variant type: single nucleotide variant.
Coding change: c.633G>T on transcript NM_198253.3 (MANE Select); coding-DNA position 633, G replaced by T.
Protein change: p.Gly211=; no amino-acid change (glycine 211 retained).
Molecular consequence: synonymous variant. On other transcripts: non-coding transcript variant (2).
Genome position (GRCh38, 1-based): chr5:1,294,253, C>A on the plus strand (G>T on the coding strand, the complement: TERT is on the minus strand). VCF-style: chr5-1294253-C-A. GRCh37 (hg19) VCF-style: chr5-1294368-C-A.
Other names: c.633G>T, p.Gly211= (NM_001193376.3).
Identifiers: ClinVar variation 416308 (VCV000416308.16), dbSNP rs1060504794, ClinGen allele CA16611924.
Genomic context (GRCh38, chr5:1,294,253, plus strand): 5'-ACTTCGGCTGGCACTGCCCCCGCGCCTCCTCGCACCCGGGGCTGGCAGGCCCAGGGGGAC[C>A]CCGGCCTCCCTGACGCTATGGTTCCAGGCCCGTTCGCATCCCAGACGCCTTCGGGGTCCA-3'
Protein context (NP_937983.2, residues 201-221): RAWNHSVREA[Gly211=]VPLGLPAPGA

ClinVar aggregate classification (germline): Likely benign. Review status: criteria provided, multiple submitters, no conflicts (2 of 4 stars). 4 submissions from 4 submitters: Likely benign (4). Last evaluated 2025-05-11.

Conditions:
Dyskeratosis congenita, autosomal dominant 2. Identifiers: MedGen C3151443, MONDO:0013521, OMIM 613989.
Idiopathic Pulmonary Fibrosis. Also called: Idiopathic fibrosing alveolitis, chronic form; idiopathic fibrosing alveolitis. Identifiers: Orphanet 2032, MedGen C1800706, MeSH D054990, MONDO:0800504.
TERT-related disorder. Also called: TERT-related condition; TERT-related disorders.
Dyskeratosis congenita. Identifiers: Orphanet 1775, MedGen C0265965, MONDO:0015780.

Allele frequency attached by ClinVar (database versions not stated): gnomAD exomes below 0.00001 and 0.00001; TOPMed 0.00002.
gnomAD v4.1: 5 of 1,590,912 alleles (0.00031%); highest among the groups gnomAD compares: Admixed American, 0.0085%; no homozygotes.

Submissions (4):

Labcorp Genetics (formerly Invitae), Labcorp
Classification: Likely benign for Dyskeratosis congenita, autosomal dominant 2; Idiopathic Pulmonary Fibrosis. Last evaluated: 2025-05-11. Review status: criteria provided, single submitter. Criteria: Invitae Variant Classification Sherloc (09022015). Collection method: clinical testing. Allele origin: germline.

PreventionGenetics, part of Exact Sciences
Classification: Likely benign for TERT-related condition. Last evaluated: 2025-02-06. Review status: criteria provided, single submitter. Criteria: ACMG Guidelines, 2015. Collection method: clinical testing. Allele origin: germline.
Comment: This variant is classified as likely benign based on ACMG/AMP sequence variant interpretation guidelines (Richards et al. 2015 PMID: 25741868, with internal and published modifications).

Blueprint Genetics
Classification: Likely benign. Last evaluated: 2024-11-23. Review status: criteria provided, single submitter. Criteria: ACMG Guidelines, 2015. Collection method: clinical testing. Allele origin: germline.

Ambry Genetics
Classification: Likely benign for Dyskeratosis congenita. Last evaluated: 2022-05-04. Review status: criteria provided, single submitter. Criteria: Ambry Variant Classification Scheme 2023. Collection method: clinical testing. Allele origin: germline.